The following is an entry in ClinVar:

NM_007103.4(NDUFV1):c.1156C>A (p.Arg386Ser)

Genes: NDUFV1 (NADH:ubiquinone oxidoreductase core subunit V1; plus strand), LOC126861242 (CDK7 strongly-dependent group 2 enhancer GRCh37_chr11:67379204-67380403; plus strand). Cytogenetic location: 11q13.2.
Variant type: single nucleotide variant.
Coding change: c.1156C>A on transcript NM_007103.4 (MANE Select); coding-DNA position 1156, C replaced by A.
Protein change: p.Arg386Ser; replaces arginine 386 with serine.
Molecular consequence: missense variant.
Genome position (GRCh38, 1-based): chr11:67,611,972, C>A. VCF-style: chr11-67611972-C-A. GRCh37 (hg19) VCF-style: chr11-67379443-C-A.
Other names: c.1129C>A, p.Arg377Ser (NM_001166102.2); short protein forms R377S, R386S.
Identifiers: ClinVar variation 4688233 (VCV004688233.1).

ClinVar aggregate classification (germline): Uncertain significance (1 of 4 stars; one submission).

Submission:

Women's Health and Genetics/Laboratory Corporation of America, LabCorp
Classification: Uncertain significance. Last evaluated: 2025-12-18. Review status: criteria provided, single submitter. Criteria: LabCorp Variant Classification Summary - May 2015. Collection method: clinical testing. Allele origin: germline.
Comment: Variant summary: NDUFV1 c.1156C>A (p.Arg386Ser) results in a non-conservative amino acid change in the encoded protein sequence. Algorithms developed to predict the effect of missense changes on protein structure and function all suggest that this variant is likely to be disruptive. The variant was absent in 251360 control chromosomes. To our knowledge, no occurrence of c.1156C>A in individuals affected with NDUFV1-related conditions and no experimental evidence demonstrating its impact on protein function have been reported. Different variants affecting the same codon has been classified as pathogenic by our lab (p.Arg386Cys, p.Arg386His), supporting the critical relevance of codon 386 to NDUFV1 protein function. No submitters have cited clinical-significance assessments for this variant to ClinVar. Based on the evidence outlined above, the variant was classified as VUS-possibly pathogenic.